The following is an entry in ClinVar:

NM_001034853.2(RPGR):c.2666_2671del (p.Glu889_Glu890del)

Gene: RPGR (retinitis pigmentosa GTPase regulator; minus strand). Cytogenetic location: Xp11.4.
Variant type: Deletion.
Coding change: c.2666_2671del on transcript NM_001034853.2 (MANE Select); coding-DNA positions 2666 to 2671, 6 bases deleted (AGGAAG; older notation c.2666_2671delAGGAAG).
Protein change: p.Glu889_Glu890del.
Molecular consequence: inframe deletion. On other transcripts: intron variant (8).
Genome position (GRCh38, 1-based): chrX:38,286,328-38,286,333, CTTCCT deleted on the plus strand (AGGAAG on the coding strand, the reverse complement: RPGR is on the minus strand); deleting any 6 consecutive bases within chrX:38,286,328-38,286,337 gives the same sequence; the c. name uses the placement nearest the transcript's 3' end. VCF-style (leftmost placement, unchanged base first): chrX-38286327-CCTTCCT-C. GRCh37 (hg19) VCF-style: chrX-38145580-CCTTCCT-C.
Other names: c.1569+4626_1569+4631del (NM_001367249.1, NM_001367250.1); c.1902+761_1902+766del (NM_001367245.1); c.1386+4626_1386+4631del (NM_001367251.1); c.1719+761_1719+766del (NM_001367246.1); c.1572+4626_1572+4631del (NM_001367247.1); c.1905+761_1905+766del (NM_000328.3); c.1602+4626_1602+4631del (NM_001367248.1).
Identifiers: ClinVar variation 2149577 (VCV002149577.4), dbSNP rs2067162950, ClinGen allele CA2424844606.
Genomic context (GRCh38, chrX:38,286,327, plus strand): 5'-TCCCCTTCTCCTTCCTCTTCTCCCTCCCCTTCTCCTTCCTCCTCTTCTCCCTCCCCTTCT[CCTTCCT>C]CTTCTCCCTCCCCTTCTCCTTCCTCCTCTTCCCCCTCCCCTTCTCCTTCCTCCCCTTCTT-3'

ClinVar aggregate classification (germline): Uncertain significance (1 of 4 stars; one submission).

Conditions:
Primary ciliary dyskinesia. Also called: Ciliary dyskinesia. Identifiers: Orphanet 244, MedGen C0008780, MONDO:0016575, HP:0012265.

Submission:

Labcorp Genetics (formerly Invitae), Labcorp
Classification: Uncertain significance for Primary ciliary dyskinesia. Last evaluated: 2022-06-01. Review status: criteria provided, single submitter. Criteria: Invitae Variant Classification Sherloc (09022015). Collection method: clinical testing. Allele origin: germline.
Comment: This variant, c.2666_2671del, results in the deletion of 2 amino acid(s) of the RPGR (ORF15) protein (p.Glu889_Glu890del), but otherwise preserves the integrity of the reading frame. This variant is not present in population databases (gnomAD no frequency). This variant has not been reported in the literature in individuals affected with RPGR (ORF15)-related conditions. Experimental studies and prediction algorithms are not available or were not evaluated, and the functional significance of this variant is currently unknown. In summary, the available evidence is currently insufficient to determine the role of this variant in disease. Therefore, it has been classified as a Variant of Uncertain Significance.